The following is an entry in ClinVar:

ClinVar aggregate classification (germline): Uncertain significance (1 of 4 stars; one submission).

Conditions:
Ventriculomegaly and arthrogryposis. Identifiers: MedGen C5561973, MONDO:0859184, OMIM 619501.
Spastic paraplegia, intellectual disability, nystagmus, and obesity. Also called: Spastic paraplegia, intellectual disability, nystagmus, and obesity;. Identifiers: Orphanet 521390, MedGen C4284592, MONDO:0015007, OMIM 617296.

Submission:

Juno Genomics, Hangzhou Juno Genomics, Inc
Classification: Uncertain significance for Spastic paraplegia, intellectual disability, nystagmus, and obesity; Ventriculomegaly and arthrogryposis. Review status: criteria provided, single submitter. Criteria: ACMG Guidelines, 2015. Collection method: clinical testing. Allele origin: germline.
Comment: Absent from controls (or at extremely low frequency if recessive) in Genome Aggregation Database.

NM_020738.4(KIDINS220):c.209A>G (p.Asp70Gly)

Gene: KIDINS220 (kinase D interacting substrate 220; minus strand). Cytogenetic location: 2p25.1.
Variant type: single nucleotide variant.
Coding change: c.209A>G on transcript NM_020738.4 (MANE Select); coding-DNA position 209, A replaced by G.
Protein change: p.Asp70Gly; replaces aspartic acid 70 with glycine.
Molecular consequence: missense variant. On other transcripts: non-coding transcript variant (2).
Genome position (GRCh38, 1-based): chr2:8,817,715, T>C on the plus strand (A>G on the coding strand, the complement: KIDINS220 is on the minus strand). VCF-style: chr2-8817715-T-C. GRCh37 (hg19) VCF-style: chr2-8957845-T-C.
Other names: c.83A>G, p.Asp28Gly (NM_001348736.2); c.209A>G, p.Asp70Gly (NM_001348738.2, NM_001348739.2, NM_001348740.2 and 9 more transcripts); short protein forms D28G, D70G.
Identifiers: ClinVar variation 5006347 (VCV005006347.2).